The following is an entry in ClinVar:

NM_001080508.3(TBX18):c.1558A>G (p.Thr520Ala)

Gene: TBX18 (T-box transcription factor 18; minus strand). Cytogenetic location: 6q14.3.
Variant type: single nucleotide variant.
Coding change: c.1558A>G on transcript NM_001080508.3 (MANE Select); coding-DNA position 1558, A replaced by G.
Protein change: p.Thr520Ala; replaces threonine 520 with alanine.
Molecular consequence: missense variant.
Genome position (GRCh38, 1-based): chr6:84,736,951, T>C on the plus strand (A>G on the coding strand, the complement: TBX18 is on the minus strand). VCF-style: chr6-84736951-T-C. GRCh37 (hg19) VCF-style: chr6-85446669-T-C.
Other names: short protein forms T520A.
Identifiers: ClinVar variation 2064043 (VCV002064043.6), dbSNP rs537759635, ClinGen allele CA3910812.

ClinVar aggregate classification (germline): Uncertain significance. Review status: criteria provided, multiple submitters, no conflicts (2 of 4 stars). 2 submissions from 2 submitters: Uncertain significance (2). Last evaluated 2025-09-09.

Conditions:
Inborn genetic diseases. Identifiers: MedGen C0950123, MeSH D030342.

Allele frequency attached by ClinVar (database versions not stated): gnomAD 0.00001; TOPMed 0.00003; ExAC 0.00001; gnomAD exomes 0.00004.
gnomAD v4.1: 22 of 1,608,930 alleles (0.0014%); highest among the groups gnomAD compares: Admixed American, 0.037%; no homozygotes.

Submissions (2):

Ambry Genetics
Classification: Uncertain significance for Inborn genetic diseases. Last evaluated: 2025-09-09. Review status: criteria provided, single submitter. Criteria: Ambry Variant Classification Scheme 2023. Collection method: clinical testing. Allele origin: germline.

Labcorp Genetics (formerly Invitae), Labcorp
Classification: Uncertain significance. Last evaluated: 2024-01-15. Review status: criteria provided, single submitter. Criteria: Invitae Variant Classification Sherloc (09022015). Collection method: clinical testing. Allele origin: germline.
Comment: This sequence change replaces threonine, which is neutral and polar, with alanine, which is neutral and non-polar, at codon 520 of the TBX18 protein (p.Thr520Ala). This variant is present in population databases (rs537759635, gnomAD 0.05%). This variant has not been reported in the literature in individuals affected with TBX18-related conditions. ClinVar contains an entry for this variant (Variation ID: 2064043). Advanced modeling of protein sequence and biophysical properties (such as structural, functional, and spatial information, amino acid conservation, physicochemical variation, residue mobility, and thermodynamic stability) performed at Invitae indicates that this missense variant is not expected to disrupt TBX18 protein function with a negative predictive value of 80%. In summary, the available evidence is currently insufficient to determine the role of this variant in disease. Therefore, it has been classified as a Variant of Uncertain Significance.